The following is an entry in ClinVar:

NM_000053.4(ATP7B):c.4370del (p.Asn1457fs)

Gene: ATP7B (ATPase copper transporting beta; minus strand). Cytogenetic location: 13q14.3.
Variant type: Deletion.
Coding change: c.4370del on transcript NM_000053.4 (MANE Select); coding-DNA position 4370, one base deleted (A; older notation c.4370delA).
Protein change: p.Asn1457fs; shifts the reading frame from asparagine 1457.
Molecular consequence: frameshift variant.
Genome position (GRCh38, 1-based): chr13:51,934,784, T deleted on the plus strand (A on the coding strand, the reverse complement: ATP7B is on the minus strand); the first of 2 consecutive T bases (chr13:51,934,784-51,934,785); deleting either gives the same sequence. VCF-style (leftmost placement, unchanged base first): chr13-51934783-AT-A. GRCh37 (hg19) VCF-style: chr13-52508919-AT-A.
Other names: c.3941del, p.Asn1314fs (NM_001406539.1); c.3923del, p.Asn1308fs (NM_001406540.1); c.3884del, p.Asn1295fs (NM_001406541.1, NM_001406542.1); c.3878del, p.Asn1293fs (NM_001406543.1); c.3788del, p.Asn1263fs (NM_001406544.1); c.3722del, p.Asn1241fs (NM_001406545.1); c.3689del, p.Asn1230fs (NM_001406546.1); c.3527del, p.Asn1176fs (NM_001406547.1); and 21 more; short protein forms N1027fs, N1176fs, N1230fs, N1241fs, N1250fs, N1263fs, N1293fs, N1295fs.
Identifiers: ClinVar variation 3387198 (VCV003387198.1).

ClinVar aggregate classification (germline): Uncertain significance (1 of 4 stars; one submission).

Conditions:
Wilson disease (WND). Also called: Wilson's disease. Identifiers: Orphanet 905, MedGen C0019202, MONDO:0010200, OMIM 277900. Disease mechanism: loss of function.

Submission:

All of Us Research Program, National Institutes of Health
Classification: Uncertain significance for Wilson disease. Last evaluated: 2024-04-16. Review status: criteria provided, single submitter. Criteria: ACMG Guidelines, 2015. Collection method: clinical testing. Allele origin: germline. Inheritance: Autosomal recessive inheritance. Observed: 1 variant allele, 1 heterozygote.
Comment: This variant deletes 1 nucleotide in exon 21 of the ATP7B gene, causing a frameshift in the last exon and addition of 29 new amino acids before introducing a stop codon. This results in a protein product that is 19 amino acids longer than the normal protein product. To our knowledge, this variant has not been reported in individuals affected with ATP7B-related disorders in the literature. This variant has not been identified in the general population by the Genome Aggregation Database (gnomAD). A frameshift variant downstream, ATP7B c.4374_4375del (p.Arg1459Glyfs*2), has been found in trans with a second pathogenic variant in at least 4 individuals affected with Wilson disease (PMID: 26799313; ClinVar Variation ID: 1071568). Loss of ATP7B function is a known mechanism of disease. Although there is a suspicion that this variant may be associated with disease, additional studies are necessary to determine the role of this variant in disease conclusively. Therefore, this variant is classified as a Variant of Uncertain Significance.

This study involves interpretation of variants in research participants for the purpose of population health screening. Participant phenotype was not available at the time of variant classification. Additional details can be found in publication PMID: 35346344, PMCID: PMC8962531

Literature cited by the submitters: PubMed 26799313.